The following is an entry in ClinVar:

NM_006269.2(RP1):c.761G>T (p.Gly254Val)

Gene: RP1 (RP1 axonemal microtubule associated; plus strand). Cytogenetic location: 8q12.1.
Variant type: single nucleotide variant.
Coding change: c.761G>T on transcript NM_006269.2 (MANE Select); coding-DNA position 761, G replaced by T.
Protein change: p.Gly254Val; replaces glycine 254 with valine.
Molecular consequence: missense variant.
Genome position (GRCh38, 1-based): chr8:54,622,262, G>T. VCF-style: chr8-54622262-G-T. GRCh37 (hg19) VCF-style: chr8-55534822-G-T.
Other names: c.761G>T, p.Gly254Val (NM_001375654.1); short protein forms G254V.
Identifiers: ClinVar variation 2013694 (VCV002013694.4), dbSNP rs2536560633, ClinGen allele CA370988253.
Genomic context (GRCh38, chr8:54,622,262, plus strand): 5'-TCCAAAAATACTTGCTTCCTGCTAGATTACCAGGGATCTCTCAGCGTGTGTACCCCAAGG[G>T]AAATGCAAAGTCAGAAAGCAGAAAGAGTAAGTCACTTATTAATATATAGCCCATATTTTT-3'
Protein context (NP_006260.1, residues 244-264): PGISQRVYPK[Gly254Val]NAKSESRKIS

ClinVar aggregate classification (germline): Uncertain significance (1 of 4 stars; one submission).

Allele frequency attached by ClinVar (database versions not stated): gnomAD exomes below 0.00001.
gnomAD v4.1: 2 of 1,614,058 alleles (0.00012%); highest among the groups gnomAD compares: Non-Finnish European, 0.00017%; no homozygotes.

Submission:

Labcorp Genetics (formerly Invitae), Labcorp
Classification: Uncertain significance. Last evaluated: 2022-07-14. Review status: criteria provided, single submitter. Criteria: Invitae Variant Classification Sherloc (09022015). Collection method: clinical testing. Allele origin: germline.
Comment: This sequence change replaces glycine, which is neutral and non-polar, with valine, which is neutral and non-polar, at codon 254 of the RP1 protein (p.Gly254Val). This variant is not present in population databases (gnomAD no frequency). This variant has not been reported in the literature in individuals affected with RP1-related conditions. Algorithms developed to predict the effect of missense changes on protein structure and function are either unavailable or do not agree on the potential impact of this missense change (SIFT: "Deleterious"; PolyPhen-2: "Benign"; Align-GVGD: "Class C65"). Algorithms developed to predict the effect of sequence changes on RNA splicing suggest that this variant may disrupt the consensus splice site. In summary, the available evidence is currently insufficient to determine the role of this variant in disease. Therefore, it has been classified as a Variant of Uncertain Significance.